The following is an entry in ClinVar:

ClinVar aggregate classification (germline): Conflicting classifications of pathogenicity. Review status: criteria provided, conflicting classifications (1 of 4 stars). 3 submissions from 3 submitters: Uncertain significance (2); Likely benign (1). Last evaluated 2024-09-01.

Conditions:
Cardiovascular phenotype. Identifiers: MedGen CN230736.
Brugada syndrome. Also called: Sudden unexpected nocturnal death syndrome; Sudden unexplained nocturnal death syndrome; Sudden Unexplained Death Syndrome; Sudden Unexplained Nocturnal Death Syndrome (SUNDS). Identifiers: Orphanet 130, MedGen C1142166, MONDO:0015263.

Allele frequency attached by ClinVar (database versions not stated): gnomAD 0.00001; gnomAD exomes 0.00001 and 0.00005; TOPMed 0.00001; ExAC 0.00005.
gnomAD v4.1: 8 of 1,614,076 alleles (0.0005%); highest among the groups gnomAD compares: East Asian, 0.018%; no homozygotes.

Submissions (3):

GeneDx
Classification: Uncertain significance. Last evaluated: 2024-09-01. Review status: criteria provided, single submitter. Criteria: GeneDx Variant Classification Process June 2021. Collection method: clinical testing. Allele origin: germline. Affected: yes.
Comment: Has not been previously published as pathogenic or benign in association with arrhythmia to our knowledge; In silico analysis supports that this missense variant has a deleterious effect on protein structure/function; This variant is associated with the following publications: (PMID: 36115840)

Ambry Genetics
Classification: Likely benign for Cardiovascular phenotype. Last evaluated: 2022-07-06. Review status: criteria provided, single submitter. Criteria: Ambry Variant Classification Scheme 2023. Collection method: clinical testing. Allele origin: germline.

Labcorp Genetics (formerly Invitae), Labcorp
Classification: Uncertain significance for Brugada syndrome. Last evaluated: 2022-06-10. Review status: criteria provided, single submitter. Criteria: Invitae Variant Classification Sherloc (09022015). Collection method: clinical testing. Allele origin: germline.
Comment: This sequence change replaces threonine, which is neutral and polar, with isoleucine, which is neutral and non-polar, at codon 672 of the SCN10A protein (p.Thr672Ile). This variant is present in population databases (rs759953813, gnomAD 0.06%). This variant has not been reported in the literature in individuals affected with SCN10A-related conditions. ClinVar contains an entry for this variant (Variation ID: 641083). Advanced modeling of protein sequence and biophysical properties (such as structural, functional, and spatial information, amino acid conservation, physicochemical variation, residue mobility, and thermodynamic stability) performed at Invitae indicates that this missense variant is expected to disrupt SCN10A protein function. In summary, the available evidence is currently insufficient to determine the role of this variant in disease. Therefore, it has been classified as a Variant of Uncertain Significance.

NM_006514.4(SCN10A):c.2015C>T (p.Thr672Ile)

Gene: SCN10A (sodium voltage-gated channel alpha subunit 10; minus strand). Cytogenetic location: 3p22.2.
Variant type: single nucleotide variant.
Coding change: c.2015C>T on transcript NM_006514.4 (MANE Select); coding-DNA position 2015, C replaced by T.
Protein change: p.Thr672Ile; replaces threonine 672 with isoleucine.
Molecular consequence: missense variant.
Genome position (GRCh38, 1-based): chr3:38,742,382, G>A on the plus strand (C>T on the coding strand, the complement: SCN10A is on the minus strand). VCF-style: chr3-38742382-G-A. GRCh37 (hg19) VCF-style: chr3-38783873-G-A.
Other names: c.2015C>T, p.Thr672Ile (NM_001293306.2); c.1721C>T, p.Thr574Ile (NM_001293307.2); short protein forms T574I, T672I.
Identifiers: ClinVar variation 641083 (VCV000641083.5), dbSNP rs759953813, ClinGen allele CA2320678.
Genomic context (GRCh38, chr3:38,742,382, plus strand): 5'-GTAGGGCTCATGCCATGGTGCTCCATGGCCATGAAGATGGTGTTCACCACGATGCACAAG[G>A]TGATGGTGAGCTCTGCAAAGGGATCCGTCACAAGCCCAAAGAGAATTGTCTTGAGCTTCA-3'
Protein context (NP_006505.4, residues 662-682): VTDPFAELTI[Thr672Ile]LCIVVNTIFM